The following is an entry in ClinVar:

ClinVar aggregate classification (germline): Uncertain significance (1 of 4 stars; one submission).

Conditions:
Hyperekplexia 2 (HKPX2). Identifiers: Orphanet 3197, MedGen C3553291, MONDO:0013828, OMIM 614619.

Allele frequency attached by ClinVar (database versions not stated): gnomAD exomes below 0.00001 and 0.00001; TOPMed below 0.00001; ExAC 0.00002.
gnomAD v4.1: 4 of 1,611,866 alleles (0.00025%); highest among the groups gnomAD compares: Non-Finnish European, 0.00025%; no homozygotes.

Submission:

Labcorp Genetics (formerly Invitae), Labcorp
Classification: Uncertain significance for Hyperekplexia 2. Last evaluated: 2022-07-11. Review status: criteria provided, single submitter. Criteria: Invitae Variant Classification Sherloc (09022015). Collection method: clinical testing. Allele origin: germline.
Comment: In summary, the available evidence is currently insufficient to determine the role of this variant in disease. Therefore, it has been classified as a Variant of Uncertain Significance. Advanced modeling of protein sequence and biophysical properties (such as structural, functional, and spatial information, amino acid conservation, physicochemical variation, residue mobility, and thermodynamic stability) performed at Invitae indicates that this missense variant is not expected to disrupt GLRB protein function. ClinVar contains an entry for this variant (Variation ID: 1348265). This variant has not been reported in the literature in individuals affected with GLRB-related conditions. This variant is present in population databases (rs749901389, gnomAD 0.003%). This sequence change replaces lysine, which is basic and polar, with glutamic acid, which is acidic and polar, at codon 33 of the GLRB protein (p.Lys33Glu).

NM_000824.5(GLRB):c.97A>G (p.Lys33Glu)

Gene: GLRB (glycine receptor beta; plus strand). Cytogenetic location: 4q32.1.
Variant type: single nucleotide variant.
Coding change: c.97A>G on transcript NM_000824.5 (MANE Select); coding-DNA position 97, A replaced by G.
Protein change: p.Lys33Glu; replaces lysine 33 with glutamic acid.
Molecular consequence: missense variant.
Genome position (GRCh38, 1-based): chr4:157,078,121, A>G. VCF-style: chr4-157078121-A-G. GRCh37 (hg19) VCF-style: chr4-157999273-A-G.
Other names: c.97A>G, p.Lys33Glu (NM_001166060.2, NM_001166061.2); short protein forms K33E.
Identifiers: ClinVar variation 1348265 (VCV001348265.8), dbSNP rs749901389, ClinGen allele CA3119645.